The following is an entry in ClinVar:

NM_052947.4(ALPK2):c.1885A>G (p.Asn629Asp)

Gene: ALPK2 (alpha kinase 2; minus strand). Cytogenetic location: 18q21.31.
Variant type: single nucleotide variant.
Coding change: c.1885A>G on transcript NM_052947.4 (MANE Select); coding-DNA position 1885, A replaced by G.
Protein change: p.Asn629Asp; replaces asparagine 629 with aspartic acid.
Molecular consequence: missense variant.
Genome position (GRCh38, 1-based): chr18:58,578,891, T>C on the plus strand (A>G on the coding strand, the complement: ALPK2 is on the minus strand). VCF-style: chr18-58578891-T-C. GRCh37 (hg19) VCF-style: chr18-56246123-T-C.
Other names: short protein forms N629D.
Identifiers: ClinVar variation 1781961 (VCV001781961.2), dbSNP rs2518898474, ClinGen allele CA402559646.

ClinVar aggregate classification (germline): Uncertain significance (1 of 4 stars; one submission).

gnomAD v4.1: 1 of 1,614,182 alleles (0.000062%); highest among the groups gnomAD compares: Non-Finnish European, 0.000085%; no homozygotes.

Submission:

Ambry Genetics
Classification: Uncertain significance. Last evaluated: 2022-03-16. Review status: criteria provided, single submitter. Criteria: Ambry Variant Classification Scheme 2023. Collection method: clinical testing. Allele origin: germline.
Comment: The p.N629D variant (also known as c.1885A>G), located in coding exon 3 of the ALPK2 gene, results from an A to G substitution at nucleotide position 1885. The asparagine at codon 629 is replaced by aspartic acid, an amino acid with highly similar properties. This amino acid position is conserved. In addition, this alteration is predicted to be tolerated by in silico analysis. Since supporting evidence is limited at this time, the clinical significance of this alteration remains unclear.